The following is an entry in ClinVar:

NM_007194.4(CHEK2):c.1189G>A (p.Val397Ile)

Gene: CHEK2 (checkpoint kinase 2; minus strand). Cytogenetic location: 22q12.1.
Variant type: single nucleotide variant.
Coding change: c.1189G>A on transcript NM_007194.4 (MANE Select); coding-DNA position 1189, G replaced by A.
Protein change: p.Val397Ile; replaces valine 397 with isoleucine.
Molecular consequence: missense variant.
Genome position (GRCh38, 1-based): chr22:28,695,780, C>T on the plus strand (G>A on the coding strand, the complement: CHEK2 is on the minus strand). VCF-style: chr22-28695780-C-T. GRCh37 (hg19) VCF-style: chr22-29091768-C-T.
Other names: c.1318G>A, p.Val440Ile (NM_001005735.3); c.526G>A, p.Val176Ile (NM_001257387.3); c.988G>A, p.Val330Ile (NM_001349956.3); c.1102G>A, p.Val368Ile (NM_145862.3); short protein forms V176I, V368I, V330I, V440I, V397I.
Identifiers: ClinVar variation 3022133 (VCV003022133.3), dbSNP rs2145803719, ClinGen allele CA411096797.

ClinVar aggregate classification (germline): Uncertain significance (1 of 4 stars; one submission).

Conditions:
Familial cancer of breast. Also called: hereditary breast carcinoma; BREAST CANCER, FAMILIAL; Hereditary breast cancer. Identifiers: Orphanet 227535, MedGen C0346153, MONDO:0016419, OMIM 114480. Disease mechanism: loss of function.

Submission:

Labcorp Genetics (formerly Invitae), Labcorp
Classification: Uncertain significance for Familial cancer of breast. Last evaluated: 2022-11-13. Review status: criteria provided, single submitter. Criteria: Invitae Variant Classification Sherloc (09022015). Collection method: clinical testing. Allele origin: germline.
Comment: This sequence change replaces valine, which is neutral and non-polar, with isoleucine, which is neutral and non-polar, at codon 397 of the CHEK2 protein (p.Val397Ile). This variant is not present in population databases (gnomAD no frequency). This variant has not been reported in the literature in individuals affected with CHEK2-related conditions. Algorithms developed to predict the effect of missense changes on protein structure and function output the following: SIFT: "Tolerated"; PolyPhen-2: "Benign"; Align-GVGD: "Class C0". The isoleucine amino acid residue is found in multiple mammalian species, which suggests that this missense change does not adversely affect protein function. In summary, the available evidence is currently insufficient to determine the role of this variant in disease. Therefore, it has been classified as a Variant of Uncertain Significance.